The following is an entry in ClinVar:

NM_017849.4(TMEM127):c.409+1G>C

Gene: TMEM127 (transmembrane protein 127; minus strand). Cytogenetic location: 2q11.2.
Variant type: single nucleotide variant.
Coding change: c.409+1G>C on transcript NM_017849.4 (MANE Select); the canonical splice donor site of the intron after coding-DNA position 409, G replaced by C.
Molecular consequence: splice donor variant.
Genome position (GRCh38, 1-based): chr2:96,254,832, C>G on the plus strand (G>C on the coding strand, the complement: TMEM127 is on the minus strand). VCF-style: chr2-96254832-C-G. GRCh37 (hg19) VCF-style: chr2-96920570-C-G.
Other names: c.157+1G>C (NM_001407283.1, NM_001407282.1); c.409+1G>C (NM_001193304.3).
Identifiers: ClinVar variation 1065957 (VCV001065957.7), dbSNP rs121908825, ClinGen allele CA347653241.
Genomic context (GRCh38, chr2:96,254,832, plus strand): 5'-AGACAGGATGCCCCCACCCTGTAGCAGTTCCTCTCCCACTGTGAGCAGGCTCACGGCTTA[C>G]CCGTTAGGATATGGGCGAAGGCATAGCGACGAGTGATCTTCAGAGCAGGATGCTTCGGCC-3'

ClinVar aggregate classification (germline): Pathogenic (1 of 4 stars; one submission).

Conditions:
Hereditary pheochromocytoma and paraganglioma. Also called: Hereditary paragangliomas and pheochromocytomas; Hereditary pheochromocytoma-paraganglioma; Hereditary Paraganglioma-Pheochromocytoma Syndromes. Identifiers: Orphanet 29072, MedGen C4274332, MONDO:0017366.

Submission:

Labcorp Genetics (formerly Invitae), Labcorp
Classification: Pathogenic for Hereditary pheochromocytoma and paraganglioma. Last evaluated: 2025-01-14. Review status: criteria provided, single submitter. Criteria: Invitae Variant Classification Sherloc (09022015). Collection method: clinical testing. Allele origin: germline.
Comment: This sequence change affects a donor splice site in intron 3 of the TMEM127 gene. While this variant is not anticipated to result in nonsense mediated decay, it likely alters RNA splicing and results in a disrupted protein product. This variant is not present in population databases (gnomAD no frequency). This variant has not been reported in the literature in individuals affected with TMEM127-related conditions. ClinVar contains an entry for this variant (Variation ID: 1065957). Variants that disrupt the consensus splice site are a relatively common cause of aberrant splicing (PMID: 17576681, 9536098). Algorithms developed to predict the effect of sequence changes on RNA splicing suggest that this variant may disrupt the consensus splice site. This variant disrupts a region of the TMEM127 protein in which other variant(s) (p.Tyr178Leufs*48) have been determined to be pathogenic (PMID: 28384794, 28855235; internal data). This suggests that this is a clinically significant region of the protein, and that variants that disrupt it are likely to be disease-causing. For these reasons, this variant has been classified as Pathogenic.

Literature cited by the submitters: PubMed 17576681; PubMed 9536098; PubMed 28384794; PubMed 28855235.